The following is an entry in ClinVar:

NM_001001437.4(CCL3L3):c.5A>C (p.Gln2Pro)

Gene: CCL3L3 (C-C motif chemokine ligand 3 like 3; minus strand). Cytogenetic location: 17q12.
Variant type: single nucleotide variant.
Coding change: c.5A>C on transcript NM_001001437.4 (MANE Select); coding-DNA position 5, A replaced by C.
Protein change: p.Gln2Pro; replaces glutamine 2 with proline.
Molecular consequence: missense variant.
Genome position (GRCh38, 1-based): chr17:36,196,669, T>G on the plus strand (A>C on the coding strand, the complement: CCL3L3 is on the minus strand). VCF-style: chr17-36196669-T-G. GRCh37 (hg19) VCF-style: chr17-34524068-T-G.
Other names: short protein forms Q2P.
Identifiers: ClinVar variation 4868309 (VCV004868309.1).
Genomic context (GRCh38, chr17:36,196,669, plus strand): 5'-AGGACCTGGTTGCAGAGAGCCATGGTGCAGAGGAGGACGGCAAGGGCAGCAGTGGAGACC[T>G]GCATGATTGGGAGCAGGTGATGGAATGTGGGCTCGAGTGTCAGCAGAGCCAAGAAGGGAC-3'
Protein context (NP_001001437.2, residues 1-12): M[Gln2Pro]VSTAALAVLL

ClinVar aggregate classification (germline): Uncertain significance (1 of 4 stars; one submission).

Submission:

Ambry Genetics
Classification: Uncertain significance. Last evaluated: 2026-03-30. Review status: criteria provided, single submitter. Criteria: Ambry Variant Classification Scheme 2023. Collection method: clinical testing. Allele origin: germline.
Comment: The c.5A>C (p.Q2P) alteration is located in exon 1 (coding exon 1) of the CCL3L3 gene. This alteration results from a A to C substitution at nucleotide position 5, causing the glutamine (Q) at amino acid position 2 to be replaced by a proline (P). Based on data from gnomAD, the C allele has an overall frequency of <0.001% (0/58334) total alleles studied. The highest observed frequency was <0.001% (/) of alleles. Based on insufficient or conflicting evidence, the clinical significance of this alteration remains unclear.